The following is an entry in ClinVar:

ClinVar aggregate classification (germline): Uncertain significance (1 of 4 stars; one submission).

Conditions:
Isolated microphthalmia 5. Also called: Posterior Microphthalmia with Retinitis Pigmentosa, Foveoschisis, and Optic Disc Drusen. Identifiers: Orphanet 251279, MedGen C1970236, MONDO:0012605, OMIM 611040.

gnomAD v4.1: 1 of 1,607,184 alleles (0.000062%); highest among the groups gnomAD compares: Non-Finnish European, 0.000085%; no homozygotes.

Submission:

Institute of Human Genetics, University of Leipzig Medical Center
Classification: Uncertain significance for Isolated microphthalmia 5. Last evaluated: 2021-08-10. Review status: criteria provided, single submitter. Criteria: ACMG Guidelines, 2015. Collection method: clinical testing. Allele origin: paternal. Affected: yes.
Comment: This variant was identified as compound heterozygous with NM_031433.4:c.855T>A.

NM_031433.4(MFRP):c.665C>G (p.Pro222Arg)

Genes: C1QTNF5 (C1q and TNF related 5; minus strand), MFRP (membrane frizzled-related protein; minus strand). Cytogenetic location: 11q23.3.
Variant type: single nucleotide variant.
Coding change: c.665C>G on transcript NM_031433.4 (MANE Select); coding-DNA position 665, C replaced by G.
Protein change: p.Pro222Arg; replaces proline 222 with arginine.
Molecular consequence: missense variant. On other transcripts: 5 prime UTR variant (1).
Genome position (GRCh38, 1-based): chr11:119,344,981, G>C on the plus strand (C>G on the coding strand, the complement: MFRP is on the minus strand). VCF-style: chr11-119344981-G-C. GRCh37 (hg19) VCF-style: chr11-119215691-G-C.
Other names: c.-1972C>G (NM_015645.5); short protein forms P222R.
Identifiers: ClinVar variation 1297028 (VCV001297028.3), dbSNP rs1950545280, ClinGen allele CA382977724.
Genomic context (GRCh38, chr11:119,344,981, plus strand): 5'-TCCACACTGCTGTCAGAGACGAAGACCACCAGGAGGTGGCTGGCATTGGTGTTGAGCGTG[G>C]GGGGAGGCACCCTTCCACAAACCCTGCAAGAAGCCAGGTTGGGGGTGAGGGAGGCTCCAA-3'
Protein context (NP_113621.1, residues 212-232): LLRVCGRVPP[Pro222Arg]TLNTNASHLL